The following is an entry in ClinVar:

ClinVar aggregate classification (germline): Pathogenic. Review status: criteria provided, multiple submitters, no conflicts (2 of 4 stars). 6 submissions from 6 submitters: Pathogenic (4). 2 of the submissions do not count toward it. Last evaluated 2025-11-13.

Conditions:
Methylmalonic aciduria, cblA type (MACA). Also called: Vitamin B12-responsive methylmalonic acidemia type cblA; Methylmalonic aciduria, vitamin b12-responsive, due to defect in synthesis of adenosylcobalamin, cbla complementation type; MMA cbl A type; Methylmalonic acidemia cblA type; Methylmalonic aciduria, vitamin B12-responsive. Identifiers: Orphanet 28, Orphanet 79310, MedGen C1855109, MONDO:0009613, OMIM 251100.
Methylmalonic acidemia (MMA). Also called: Isolated Methylmalonic Acidemia. Identifiers: MedGen C0268583, MeSH C537358, MONDO:0002012, HP:0002912.

Allele frequency attached by ClinVar (database versions not stated): gnomAD exomes 0.00003 and 0.00002; TOPMed 0.00004; gnomAD 0.00001; ExAC 0.00001.
gnomAD v4.1: 46 of 1,613,972 alleles (0.0029%); highest among the groups gnomAD compares: Non-Finnish European, 0.0036%; no homozygotes.

Submissions (6):

Natera, Inc.
Classification: Pathogenic for Methylmalonic aciduria cblA type. Last evaluated: 2025-11-13. Review status: criteria provided, single submitter. Criteria: Natera Variant Classification Schema (03/2026). Collection method: clinical testing. Allele origin: germline.
Comment: The c.64C>T variant in MMAA is a nonsense variant predicted to introduce a stop codon at amino acid 22. This variant is expected to result in nonsense mediated decay, truncation, or a dysfunctional protein product. This variant is rare in the general population with a frequency below the threshold expected for the associated phenotype(s). This variant has been observed in one or more individuals affected with the associated recessive disease, as either homozygous or compound heterozygous with a second variant (PMID: 19375370, 23026888). Given the available evidence, this variant is classified as Pathogenic.

Labcorp Genetics (formerly Invitae), Labcorp
Classification: Pathogenic for Methylmalonic aciduria, cblA type. Last evaluated: 2025-09-13. Review status: criteria provided, single submitter. Criteria: Invitae Variant Classification Sherloc (09022015). Collection method: clinical testing. Allele origin: germline.
Comment: This sequence change creates a premature translational stop signal (p.Arg22*) in the MMAA gene. It is expected to result in an absent or disrupted protein product. Loss-of-function variants in MMAA are known to be pathogenic (PMID: 15523652, 15781192). This variant is present in population databases (rs765799472, gnomAD 0.004%). This premature translational stop signal has been observed in individuals with methylmalonic aciduria (PMID: 15308131, 15523652, 17957493, 23026888, 26270765). ClinVar contains an entry for this variant (Variation ID: 218969). For these reasons, this variant has been classified as Pathogenic.

GeneDx
Classification: Pathogenic. Last evaluated: 2020-05-26. Review status: criteria provided, single submitter. Criteria: GeneDx Variant Classification Process June 2021. Collection method: clinical testing. Allele origin: germline. Affected: yes.
Comment: Nonsense variant predicted to result in protein truncation or nonsense mediated decay in a gene for which loss-of-function is a known mechanism of disease; Not observed at a significant frequency in large population cohorts (Lek et al., 2016); This variant is associated with the following publications: (PMID: 23026888, 15523652, 26270765, 15308131, 17957493, 17948227, 19375370)

Women's Health and Genetics/Laboratory Corporation of America, LabCorp
Classification: Pathogenic for Methylmalonic acidemia. Last evaluated: 2017-06-19. Review status: criteria provided, single submitter. Criteria: LabCorp Variant Classification Summary - May 2015. Collection method: clinical testing. Allele origin: germline.
Comment: Variant summary: The MMAA c.64C>T (p.Arg22X) variant results in a premature termination codon, predicted to cause a truncated or absent MMAA protein due to nonsense mediated decay, which are commonly known mechanisms for disease. Truncations downstream of this position have been classified as pathogenic by our laboratory and other laboratories in ClinVar (e.g. p.Arg145X, p.Gln248X, p.Arg330X, etc.). This variant was found in 5/215496 control chromosomes at a frequency of 0.0000232, which does not exceed the estimated maximal expected allele frequency of a pathogenic MMAA variant (0.0018257). This variant has been reported in at least seven unrelated patients with methylmalonic acidemia in homozygous state as well in compound heterozygous state with other pathogenic/likely pathogenic variants (Yang_2004, Lerner-Ellis_2004, Merinero_2008, Dempsey-Nunez_2012, Nizon_2013, Manoli_2016). Biochemical analyses of the patient cells were consistent with severe impairment of enzymatic activity by this variant. A clinical diagnostic laboratory and a reputable database (via ClinVar) have classified this variant as pathogenic. Taken together, this variant is classified as pathogenic.

Counsyl
Classification: Pathogenic for Methylmalonic aciduria, cblA type. Last evaluated: 2017-04-04. Review status: no assertion criteria provided. Collection method: clinical testing. Allele origin: unknown. Not counted in ClinVar's aggregate classification.

GeneReviews
No classification provided. Condition: Methylmalonic aciduria, cblA type. Review status: no classification provided. Collection method: literature only. Allele origin: germline. Affected: yes. Not counted in ClinVar's aggregate classification.

Literature cited by the submitters: PubMed 19375370 (cited by Natera, Inc.); PubMed 23026888 (cited by 3 submitters); PubMed 15523652 (cited by 3 submitters); PubMed 15781192 (cited by Labcorp Genetics (formerly Invitae), Labcorp); PubMed 15308131 (cited by Labcorp Genetics (formerly Invitae), Labcorp); PubMed 17957493 (cited by Labcorp Genetics (formerly Invitae), Labcorp); PubMed 26270765 (cited by Labcorp Genetics (formerly Invitae), Labcorp); NCBI Bookshelf NBK1231 (cited by GeneReviews).

NM_172250.3(MMAA):c.64C>T (p.Arg22Ter)

Gene: MMAA (metabolism of cobalamin associated A; plus strand). Cytogenetic location: 4q31.21.
Variant type: single nucleotide variant.
Coding change: c.64C>T on transcript NM_172250.3 (MANE Select); coding-DNA position 64, C replaced by T.
Protein change: p.Arg22Ter; replaces arginine 22 with a stop codon.
Molecular consequence: nonsense.
Genome position (GRCh38, 1-based): chr4:145,639,203, C>T. VCF-style: chr4-145639203-C-T. GRCh37 (hg19) VCF-style: chr4-146560355-C-T.
Other names: short protein forms R22*.
Identifiers: ClinVar variation 218969 (VCV000218969.17), dbSNP rs765799472, ClinGen allele CA347868.